The following is an entry in ClinVar:

ClinVar aggregate classification (germline): Uncertain significance (1 of 4 stars; one submission).

Conditions:
MHC class I deficiency. Identifiers: Orphanet 34592, MedGen C6024714, MONDO:0011476.

gnomAD v4.1: 1 of 1,613,690 alleles (0.000062%); highest among the groups gnomAD compares: Non-Finnish European, 0.000085%; no homozygotes.

Submission:

Labcorp Genetics (formerly Invitae), Labcorp
Classification: Uncertain significance for MHC class I deficiency 1. Last evaluated: 2025-03-05. Review status: criteria provided, single submitter. Criteria: Invitae Variant Classification Sherloc (09022015). Collection method: clinical testing. Allele origin: germline.
Comment: This sequence change replaces arginine, which is basic and polar, with proline, which is neutral and non-polar, at codon 48 of the TAPBP protein (p.Arg48Pro). This variant is present in population databases (no rsID available, gnomAD 0.0009%). This variant has not been reported in the literature in individuals affected with TAPBP-related conditions. An algorithm developed to predict the effect of missense changes on protein structure and function (PolyPhen-2) suggests that this variant is likely to be disruptive. In summary, the available evidence is currently insufficient to determine the role of this variant in disease. Therefore, it has been classified as a Variant of Uncertain Significance.

NM_003190.5(TAPBP):c.143G>C (p.Arg48Pro)

Gene: TAPBP (TAP binding protein; minus strand). Cytogenetic location: 6p21.32.
Variant type: single nucleotide variant.
Coding change: c.143G>C on transcript NM_003190.5 (MANE Select); coding-DNA position 143, G replaced by C.
Protein change: p.Arg48Pro; replaces arginine 48 with proline.
Molecular consequence: missense variant.
Genome position (GRCh38, 1-based): chr6:33,313,759, C>G on the plus strand (G>C on the coding strand, the complement: TAPBP is on the minus strand). VCF-style: chr6-33313759-C-G. GRCh37 (hg19) VCF-style: chr6-33281536-C-G.
Other names: c.143G>C, p.Arg48Pro (NM_001410875.1, NM_172208.3, NM_172209.3); short protein forms R48P.
Identifiers: ClinVar variation 4773775 (VCV004773775.1).